The following is an entry in ClinVar:

NM_004482.4(GALNT3):c.1524+1G>A

Gene: GALNT3 (polypeptide N-acetylgalactosaminyltransferase 3; minus strand). Cytogenetic location: 2q24.3.
Variant type: single nucleotide variant.
Coding change: c.1524+1G>A on transcript NM_004482.4 (MANE Select); the canonical splice donor site of the intron after coding-DNA position 1524, G replaced by A.
Molecular consequence: splice donor variant.
Genome position (GRCh38, 1-based): chr2:165,754,931, C>T on the plus strand (G>A on the coding strand, the complement: GALNT3 is on the minus strand). VCF-style: chr2-165754931-C-T. GRCh37 (hg19) VCF-style: chr2-166611441-C-T.
Other names: IVS7DS, G-A, +1.
Identifiers: ClinVar variation 7791 (VCV000007791.10), dbSNP rs745655924, ClinGen allele CA212877.

ClinVar aggregate classification (germline): Pathogenic. Review status: criteria provided, multiple submitters, no conflicts (2 of 4 stars). 5 submissions from 5 submitters: Pathogenic (4). 1 of the submissions does not count toward it. Last evaluated 2025-12-17.

Conditions:
GALNT3-related disorder. Also called: GALNT3-related condition.
Tumoral calcinosis, hyperphosphatemic, familial, 1. Also called: LIPOCALCINOGRANULOMATOSIS; MORBUS TEUTSCHLAENDER; CORTICAL HYPEROSTOSIS WITH HYPERPHOSPHATEMIA; CALCINOSIS, TUMORAL, WITH HYPERPHOSPHATEMIA; HYPEROSTOSIS WITH HYPERPHOSPHATEMIA; HYPEROSTOSIS-HYPERPHOSPHATEMIA SYNDROME. Identifiers: Orphanet 53715, MedGen C4692564, MONDO:0100252, OMIM 211900.

Allele frequency attached by ClinVar (database versions not stated): ExAC 0.00001; gnomAD exomes 0.00001.
gnomAD v4.1: 13 of 1,613,002 alleles (0.00081%); highest among the groups gnomAD compares: South Asian, 0.0011%; no homozygotes.

Submissions (5):

3billion
Classification: Pathogenic for Tumoral calcinosis, hyperphosphatemic, familial, 1. Last evaluated: 2025-12-17. Review status: criteria provided, single submitter. Criteria: ACMG Guidelines, 2015. Collection method: clinical testing. Allele origin: germline. Affected: yes.
Comment: The variant is observed at an extremely low frequency in the gnomAD v4.1.0 dataset (total allele frequency: <0.001%). Predicted Consequence/Location: Canonical splice site: predicted to alter splicing and result in a loss or disruption of normal protein function. Multiple pathogenic loss-of-function variants are reported downstream of the variant. In silico tools predict the variant to alter splicing and produce an abnormal transcript [SpliceAI: 1.00 (spliceogenicity >=0.2, non-spliceogenicity <0.1)]. The variant has been reported at least twice as pathogenic with clinical assertions and evidence for the classification (ClinVar ID: VCV000007791 /PMID: 15133511). Therefore, this variant is classified as Pathogenic according to the recommendation of ACMG/AMP guideline.

Genomic Medicine Center of Excellence, King Faisal Specialist Hospital and Research Centre
Classification: Pathogenic for Tumoral calcinosis, hyperphosphatemic, familial, 1. Last evaluated: 2024-03-26. Review status: criteria provided, single submitter. Criteria: ACMG Guidelines, 2015. Collection method: clinical testing. Allele origin: germline.

Labcorp Genetics (formerly Invitae), Labcorp
Classification: Pathogenic. Last evaluated: 2024-02-01. Review status: criteria provided, single submitter. Criteria: Invitae Variant Classification Sherloc (09022015). Collection method: clinical testing. Allele origin: germline.
Comment: This sequence change affects a donor splice site in intron 8 of the GALNT3 gene. RNA analysis indicates that disruption of this splice site induces altered splicing and likely results in a shortened protein product. This variant is present in population databases (rs745655924, gnomAD 0.0009%). Disruption of this splice site has been observed in individual(s) with familial tumoral calcinosis (PMID: 15133511). It has also been observed to segregate with disease in related individuals. ClinVar contains an entry for this variant (Variation ID: 7791). Studies have shown that disruption of this splice site results in skipping of exon 7, but is expected to preserve the integrity of the reading-frame (PMID: 15133511). For these reasons, this variant has been classified as Pathogenic.

Blueprint Genetics
Classification: Pathogenic for GALNT3-related disorders. Last evaluated: 2022-03-28. Review status: criteria provided, single submitter. Criteria: ACMG Guidelines, 2015. Collection method: clinical testing. Allele origin: germline. Affected: yes. Observed: 5 variant alleles.

OMIM
Classification: Pathogenic for TUMORAL CALCINOSIS, HYPERPHOSPHATEMIC, FAMILIAL, 1. Last evaluated: 2005-01-01. Review status: no assertion criteria provided. Collection method: literature only. Allele origin: germline. Not counted in ClinVar's aggregate classification.

Literature cited by the submitters: PubMed 15133511 (cited by 3 submitters); PubMed 3839626 (cited by OMIM); PubMed 15599692 (cited by OMIM).